The following is an entry in ClinVar:

NM_007294.4(BRCA1):c.1393T>G (p.Tyr465Asp)

Gene: BRCA1 (BRCA1 DNA repair associated; minus strand). Cytogenetic location: 17q21.31.
Variant type: single nucleotide variant.
Coding change: c.1393T>G on transcript NM_007294.4 (MANE Select); coding-DNA position 1393, T replaced by G.
Protein change: p.Tyr465Asp; replaces tyrosine 465 with aspartic acid.
Molecular consequence: missense variant. On other transcripts: intron variant (137).
Genome position (GRCh38, 1-based): chr17:43,094,138, A>C on the plus strand (T>G on the coding strand, the complement: BRCA1 is on the minus strand). VCF-style: chr17-43094138-A-C. GRCh37 (hg19) VCF-style: chr17-41246155-A-C.
Other names: c.1390T>G, p.Tyr464Asp (NM_001407628.1, NM_001407629.1, NM_001407630.1 and 22 more transcripts); c.1393T>G, p.Tyr465Asp (NM_001407639.1, NM_001407640.1, NM_001407641.1 and 30 more transcripts); c.1384T>G, p.Tyr462Asp (NM_001407646.1, NM_001407647.1); c.1270T>G, p.Tyr424Asp (NM_001407648.1, NM_001407664.1, NM_001407665.1 and 19 more transcripts); c.1267T>G, p.Tyr423Asp (NM_001407649.1, NM_001407670.1, NM_001407671.1 and 11 more transcripts); c.1315T>G, p.Tyr439Asp (NM_001407653.1, NM_001407654.1, NM_001407655.1 and 4 more transcripts); c.1312T>G, p.Tyr438Asp (NM_001407659.1, NM_001407660.1, NM_001407661.1 and 1 more transcripts); c.1252T>G, p.Tyr418Asp (NM_001407692.1, NM_001407694.1, NM_001407695.1 and 29 more transcripts); and 40 more; short protein forms Y465D, Y418D, Y169D, Y338D, Y353D, Y395D, Y397D, Y398D.
Identifiers: ClinVar variation 54239 (VCV000054239.4), dbSNP rs397508869, ClinGen allele CA000937.

ClinVar aggregate classification (germline): Likely benign. Review status: criteria provided, single submitter (1 of 4 stars). 2 submissions from 2 submitters: Likely benign (1). 1 of the submissions does not count toward it. Last evaluated 2023-03-23.

Conditions:
Hereditary cancer-predisposing syndrome. Also called: Neoplastic Syndromes, Hereditary; Tumor predisposition; Hereditary Cancer Syndrome; Hereditary neoplastic syndrome. Identifiers: Orphanet 140162, MedGen C0027672, MeSH D009386, MONDO:0015356.
Familial cancer of breast. Also called: BREAST CANCER, FAMILIAL; Hereditary breast cancer; hereditary breast carcinoma. Identifiers: Orphanet 227535, MedGen C0346153, MONDO:0016419, OMIM 114480. Disease mechanism: loss of function.

Submissions (2):

University of Washington Department of Laboratory Medicine, University of Washington
Classification: Likely benign for Hereditary cancer-predisposing syndrome. Last evaluated: 2023-03-23. Review status: criteria provided, single submitter. Criteria: Dines et al. (Genet Med. 2020). Collection method: curation. Allele origin: germline.
Comment: Missense variant in a coldspot region where missense variants are very unlikely to be pathogenic (PMID:31911673).

BRCA1 coldspot (exon 11 using historical exon numbering). Reclassification based on statistical prior probability

ClinVar Staff, National Center for Biotechnology Information (NCBI)
No classification provided. Condition: Familial cancer of breast. Review status: no classification provided. Collection method: literature only. Allele origin: germline. Affected: yes. Not counted in ClinVar's aggregate classification.

Literature cited by the submitters: PubMed 9609997 (cited by ClinVar Staff, National Center for Biotechnology Information (NCBI)).